The following is an entry in ClinVar:

NM_000059.4(BRCA2):c.7651A>G (p.Lys2551Glu)

Gene: BRCA2 (BRCA2 DNA repair associated; plus strand). Cytogenetic location: 13q13.1.
Variant type: single nucleotide variant.
Coding change: c.7651A>G on transcript NM_000059.4 (MANE Select); coding-DNA position 7651, A replaced by G.
Protein change: p.Lys2551Glu; replaces lysine 2551 with glutamic acid.
Molecular consequence: missense variant.
Genome position (GRCh38, 1-based): chr13:32,357,775, A>G. VCF-style: chr13-32357775-A-G. GRCh37 (hg19) VCF-style: chr13-32931912-A-G.
Other names: short protein forms K2551E.
Identifiers: ClinVar variation 654043 (VCV000654043.13), dbSNP rs398122587, ClinGen allele CA387744922.
Genomic context (GRCh38, chr13:32,357,775, plus strand): 5'-TTTTTTGTGTGTGTTTATTTTGTGTAGCTGTATACGTATGGCGTTTCTAAACATTGCATA[A>G]AAATTAACAGCAAAAATGCAGAGTCTTTTCAGTTTCACACTGAAGATTATTTTGGTAAGG-3'
Protein context (NP_000050.3, residues 2541-2561): YTYGVSKHCI[Lys2551Glu]INSKNAESFQ

ClinVar aggregate classification (germline): Uncertain significance. Review status: criteria provided, multiple submitters, no conflicts (2 of 4 stars). 4 submissions from 4 submitters: Uncertain significance (4). Last evaluated 2025-05-13.

Conditions:
Hereditary breast ovarian cancer syndrome. Also called: Breast and ovarian cancer; BRCA1- and BRCA2-Associated Hereditary Breast and Ovarian Cancer; Hereditary breast and ovarian cancer; Hereditary breast and/or ovarian cancer syndrome; Hereditary breast and ovarian cancer syndrome; Hereditary breast and ovarian cancer syndrome (HBOC). Identifiers: Orphanet 145, MedGen C0677776, MeSH D061325, MONDO:0003582. Disease mechanism: loss of function.
Familial cancer of breast. Also called: hereditary breast carcinoma; BREAST CANCER, FAMILIAL; Hereditary breast cancer. Identifiers: Orphanet 227535, MedGen C0346153, MONDO:0016419, OMIM 114480. Disease mechanism: loss of function.
Hereditary cancer-predisposing syndrome. Also called: Neoplastic Syndromes, Hereditary; Tumor predisposition; Hereditary Cancer Syndrome; Hereditary neoplastic syndrome. Identifiers: Orphanet 140162, MedGen C0027672, MeSH D009386, MONDO:0015356.

Submissions (4):

Quest Diagnostics Nichols Institute San Juan Capistrano
Classification: Uncertain significance. Last evaluated: 2025-05-13. Review status: criteria provided, single submitter. Criteria: Quest Diagnostics criteria. Collection method: clinical testing. Allele origin: unknown.
Comment: The BRCA2 c.7651A>G (p.Lys2551Glu) variant has not been reported in individuals with BRCA2-related conditions in the published literature. It also has not been reported in large, multi-ethnic general populations (Genome Aggregation Database). Analysis of this variant using bioinformatics tools for the prediction of the effect of amino acid changes on protein structure and function yielded predictions that this variant is benign. Based on the available information, we are unable to determine the clinical significance of this variant.

Baylor Genetics
Classification: Uncertain significance for Familial cancer of breast. Last evaluated: 2024-03-22. Review status: criteria provided, single submitter. Criteria: ACMG Guidelines, 2015. Collection method: clinical testing. Allele origin: unknown.

Ambry Genetics
Classification: Uncertain significance for Hereditary cancer-predisposing syndrome. Last evaluated: 2020-10-01. Review status: criteria provided, single submitter. Criteria: Ambry Variant Classification Scheme 2023. Collection method: clinical testing. Allele origin: germline.
Comment: The p.K2551E variant (also known as c.7651A>G), located in coding exon 15 of the BRCA2 gene, results from an A to G substitution at nucleotide position 7651. The lysine at codon 2551 is replaced by glutamic acid, an amino acid with similar properties. This amino acid position is not well conserved in available vertebrate species. In addition, this alteration is predicted to be tolerated by in silico analysis. Since supporting evidence is limited at this time, the clinical significance of this alteration remains unclear.

Labcorp Genetics (formerly Invitae), Labcorp
Classification: Uncertain significance for Hereditary breast ovarian cancer syndrome. Last evaluated: 2020-08-28. Review status: criteria provided, single submitter. Criteria: Invitae Variant Classification Sherloc (09022015). Collection method: clinical testing. Allele origin: germline.
Comment: Algorithms developed to predict the effect of missense changes on protein structure and function are either unavailable or do not agree on the potential impact of this missense change (SIFT: "Tolerated"; PolyPhen-2: "Probably Damaging"; Align-GVGD: "Class C0"). This sequence change replaces lysine with glutamic acid at codon 2551 of the BRCA2 protein (p.Lys2551Glu). The lysine residue is weakly conserved and there is a small physicochemical difference between lysine and glutamic acid. This variant is not present in population databases (ExAC no frequency). This variant has not been reported in the literature in individuals with BRCA2-related conditions. Algorithms developed to predict the effect of sequence changes on RNA splicing suggest that this variant may create or strengthen a splice site, but this prediction has not been confirmed by published transcriptional studies. In summary, the available evidence is currently insufficient to determine the role of this variant in disease. Therefore, it has been classified as a Variant of Uncertain Significance.